The following is an entry in ClinVar:

NM_000021.4(PSEN1):c.442A>G (p.Ile148Val)

Gene: PSEN1 (presenilin 1; plus strand). Cytogenetic location: 14q24.2.
Variant type: single nucleotide variant.
Coding change: c.442A>G on transcript NM_000021.4 (MANE Select); coding-DNA position 442, A replaced by G.
Protein change: p.Ile148Val; replaces isoleucine 148 with valine.
Molecular consequence: missense variant.
Genome position (GRCh38, 1-based): chr14:73,173,669, A>G. VCF-style: chr14-73173669-A-G. GRCh37 (hg19) VCF-style: chr14-73640377-A-G.
Other names: c.430A>G, p.Ile144Val (NM_007318.3); short protein forms I144V, I148V.
Identifiers: ClinVar variation 1388899 (VCV001388899.8), dbSNP rs747363386, ClinGen allele CA7256731.
Genomic context (GRCh38, chr14:73,173,669, plus strand): 5'-AGAGCCCTGCACTCAATTCTGAATGCTGCCATCATGATCAGTGTCATTGTTGTCATGACT[A>G]TCCTCCTGGTGGTTCTGTATAAATACAGGTGCTATAAGGTGAGCATGAGACACAGATCTT-3'
Protein context (NP_000012.1, residues 138-158): IMISVIVVMT[Ile148Val]LLVVLYKYRC

ClinVar aggregate classification (germline): Uncertain significance (1 of 4 stars; one submission).

Conditions:
Frontotemporal dementia (FTD1). Also called: Frontotemporal lobe dementia (FLDEM); Dementia, frontotemporal, with or without parkinsonism; WILHELMSEN-LYNCH DISEASE; Frontotemporal Dementia with Parkinsonism-17 (FTDP-17); FRONTOTEMPORAL DEMENTIA WITH PARKINSONISM; FRONTOTEMPORAL LOBE DEMENTIA. Identifiers: Orphanet 282, MedGen C0338451, MONDO:0017276, OMIM 600274, HP:0002145.
Pick disease. Also called: PICK DISEASE OF BRAIN; Pick's disease; Pick Disease of the Brain; DEMENTIA WITH LOBAR ATROPHY AND NEURONAL CYTOPLASMIC INCLUSIONS; LOBAR ATROPHY OF BRAIN. Identifiers: Orphanet 282, MedGen C0236642, MONDO:0008243, OMIM 172700.
Acne inversa, familial, 3 (ACNINV3). Identifiers: MedGen C3151038, MONDO:0013398, OMIM 613737.
Alzheimer disease 3 (AD3). Also called: ALZHEIMER DISEASE, FAMILIAL, 3. Identifiers: Orphanet 1020, MedGen C1843013, MONDO:0011913, OMIM 607822.

Allele frequency attached by ClinVar (database versions not stated): ExAC 0.00001; gnomAD exomes 0.00001.
gnomAD v4.1: 28 of 1,613,910 alleles (0.0017%); highest among the groups gnomAD compares: South Asian, 0.019%; no homozygotes.

Submission:

Labcorp Genetics (formerly Invitae), Labcorp
Classification: Uncertain significance for Alzheimer disease 3; Pick disease; Acne inversa, familial, 3; Frontotemporal dementia. Last evaluated: 2022-07-05. Review status: criteria provided, single submitter. Criteria: Invitae Variant Classification Sherloc (09022015). Collection method: clinical testing. Allele origin: germline.
Comment: In summary, the available evidence is currently insufficient to determine the role of this variant in disease. Therefore, it has been classified as a Variant of Uncertain Significance. Advanced modeling of protein sequence and biophysical properties (such as structural, functional, and spatial information, amino acid conservation, physicochemical variation, residue mobility, and thermodynamic stability) performed at Invitae indicates that this missense variant is not expected to disrupt PSEN1 protein function. ClinVar contains an entry for this variant (Variation ID: 1388899). This variant has not been reported in the literature in individuals affected with PSEN1-related conditions. This variant is present in population databases (rs747363386, gnomAD 0.005%). This sequence change replaces isoleucine, which is neutral and non-polar, with valine, which is neutral and non-polar, at codon 148 of the PSEN1 protein (p.Ile148Val).